The following is an entry in ClinVar:

ClinVar aggregate classification (germline): Uncertain significance (1 of 4 stars; one submission).

Conditions:
Carnitine palmitoyl transferase 1A deficiency. Also called: CPT deficiency, hepatic, type IA; CPT I DEFICIENCY; CPT DEFICIENCY, HEPATIC, TYPE I; Carnitine palmitoyltransferase 1A deficiency; Carnitine palmitoyltransferase type I deficiency. Identifiers: Orphanet 156, MedGen C1829703, MONDO:0009705, OMIM 255120.

Allele frequency attached by ClinVar (database versions not stated): gnomAD exomes below 0.00001; TOPMed below 0.00001.
gnomAD v4.1: 1 of 1,614,212 alleles (0.000062%); highest among the groups gnomAD compares: Admixed American, 0.0017%; no homozygotes.

Submission:

Labcorp Genetics (formerly Invitae), Labcorp
Classification: Uncertain significance for Carnitine palmitoyl transferase 1A deficiency. Last evaluated: 2021-09-01. Review status: criteria provided, single submitter. Criteria: Invitae Variant Classification Sherloc (09022015). Collection method: clinical testing. Allele origin: germline.
Comment: This sequence change replaces isoleucine with valine at codon 559 of the CPT1A protein (p.Ile559Val). The isoleucine residue is moderately conserved and there is a small physicochemical difference between isoleucine and valine. This variant is not present in population databases (ExAC no frequency). This variant has not been reported in the literature in individuals affected with CPT1A-related conditions. Algorithms developed to predict the effect of missense changes on protein structure and function (SIFT, PolyPhen-2, Align-GVGD) all suggest that this variant is likely to be tolerated. In summary, the available evidence is currently insufficient to determine the role of this variant in disease. Therefore, it has been classified as a Variant of Uncertain Significance.

NM_001876.4(CPT1A):c.1675A>G (p.Ile559Val)

Gene: CPT1A (carnitine palmitoyltransferase 1A; minus strand). Cytogenetic location: 11q13.3.
Variant type: single nucleotide variant.
Coding change: c.1675A>G on transcript NM_001876.4 (MANE Select); coding-DNA position 1675, A replaced by G.
Protein change: p.Ile559Val; replaces isoleucine 559 with valine.
Molecular consequence: missense variant.
Genome position (GRCh38, 1-based): chr11:68,773,330, T>C on the plus strand (A>G on the coding strand, the complement: CPT1A is on the minus strand). VCF-style: chr11-68773330-T-C. GRCh37 (hg19) VCF-style: chr11-68540798-T-C.
Other names: c.1675A>G, p.Ile559Val (NM_001031847.3); short protein forms I559V.
Identifiers: ClinVar variation 1053265 (VCV001053265.6), dbSNP rs1413070376, ClinGen allele CA381628696.
Genomic context (GRCh38, chr11:68,773,330, plus strand): 5'-AGTGCGCCAGCTGGAGGGCCAGCTGCACAAAGGCGTCTGGGCTCGTGCGACATTTCTTGA[T>C]GATTCCTTTACCAAAGGCTACGAATGGGAAGGAATGGAAATCCACGTCGTTTGCCAGAAG-3'
Protein context (NP_001867.2, residues 549-569): FPFVAFGKGI[Ile559Val]KKCRTSPDAF